The following is an entry in ClinVar:

NM_025114.4(CEP290):c.4604T>C (p.Leu1535Ser)

Gene: CEP290 (centrosomal protein 290; minus strand). Cytogenetic location: 12q21.32.
Variant type: single nucleotide variant.
Coding change: c.4604T>C on transcript NM_025114.4 (MANE Select); coding-DNA position 4604, T replaced by C.
Protein change: p.Leu1535Ser; replaces leucine 1535 with serine.
Molecular consequence: missense variant.
Genome position (GRCh38, 1-based): chr12:88,084,686, A>G on the plus strand (T>C on the coding strand, the complement: CEP290 is on the minus strand). VCF-style: chr12-88084686-A-G. GRCh37 (hg19) VCF-style: chr12-88478463-A-G.
Other names: c.4604T>C (NM_025114.3); short protein forms L1535S.
Identifiers: ClinVar variation 1359175 (VCV001359175.6), dbSNP rs2137184439, ClinGen allele CA385995108.
Genomic context (GRCh38, chr12:88,084,686, plus strand): 5'-ACTTCTTCTTTTTGATTTAACCTTGCTTGCATGTTTGCAATGGTTTGATGAGCAATTTTC[A>G]ATGTGTGGTGAGATTTTGGTTCCATCTCTTTTCTGCCTAGCTCAGCTATGAGCTTTTCTC-3'
Protein context (NP_079390.3, residues 1525-1545): KEMEPKSHHT[Leu1535Ser]KIAHQTIANM

ClinVar aggregate classification (germline): Uncertain significance. Review status: criteria provided, multiple submitters, no conflicts (2 of 4 stars). 4 submissions from 4 submitters: Uncertain significance (3). 1 of the submissions does not count toward it. Last evaluated 2026-04-27.

Conditions:
CEP290-related disorder. Also called: CEP290-related condition; CEP290-related disorders. Identifiers: MedGen CN239314.
Nephronophthisis. Also called: Juvenile Nephronophthisis. Identifiers: Orphanet 655, MedGen C0687120, MONDO:0019005, HP:0000090.
Joubert syndrome. Also called: Familial aplasia of the vermis; JOUBERT-BOLTSHAUSER SYNDROME. Identifiers: Orphanet 475, MedGen C5979921, MONDO:0018772.
Meckel-Gruber syndrome. Also called: DYSENCEPHALIA SPLANCHNOCYSTICA; Dysencephalia splachnocystica; GRUBER SYNDROME. Identifiers: Orphanet 564, MedGen C0265215, MONDO:0018921.

Submissions (4):

Women's Health and Genetics/Laboratory Corporation of America, LabCorp
Classification: Uncertain significance. Last evaluated: 2026-04-27. Review status: criteria provided, single submitter. Criteria: LabCorp Variant Classification Summary - May 2015. Collection method: clinical testing. Allele origin: germline.
Comment: Variant summary: CEP290 c.4604T>C (p.Leu1535Ser) results in a non-conservative amino acid change in the encoded protein sequence. Algorithms developed to predict the effect of missense changes on protein structure and function are either unavailable or do not agree on the potential impact of this missense change. The variant was absent in 249002 control chromosomes. The available data on variant occurrences in the general population are insufficient to allow any conclusion about variant significance. To our knowledge, no occurrence of c.4604T>C in individuals affected with CEP290-related conditions and no experimental evidence demonstrating its impact on protein function have been reported. ClinVar contains an entry for this variant (Variation ID: 1359175). Based on the evidence outlined above, the variant was classified as uncertain significance.

Labcorp Genetics (formerly Invitae), Labcorp
Classification: Uncertain significance for Joubert syndrome; Meckel-Gruber syndrome; Nephronophthisis. Last evaluated: 2021-10-15. Review status: criteria provided, single submitter. Criteria: Invitae Variant Classification Sherloc (09022015). Collection method: clinical testing. Allele origin: germline.
Comment: This sequence change replaces leucine with serine at codon 1535 of the CEP290 protein (p.Leu1535Ser). The leucine residue is moderately conserved and there is a large physicochemical difference between leucine and serine. This variant is not present in population databases (ExAC no frequency). This variant has not been reported in the literature in individuals with CEP290-related conditions. Algorithms developed to predict the effect of missense changes on protein structure and function are either unavailable or do not agree on the potential impact of this missense change (SIFT: "Deleterious"; PolyPhen-2: "Possibly Damaging"; Align-GVGD: "Class C0"). In summary, the available evidence is currently insufficient to determine the role of this variant in disease. Therefore, it has been classified as a Variant of Uncertain Significance.

Blueprint Genetics
Classification: Uncertain significance. Last evaluated: 2020-12-11. Review status: criteria provided, single submitter. Criteria: ACMG Guidelines, 2015. Collection method: clinical testing. Allele origin: germline.

PreventionGenetics, part of Exact Sciences
Classification: Uncertain significance for CEP290-related condition. Last evaluated: 2024-06-17. Review status: no assertion criteria provided. Collection method: clinical testing. Allele origin: germline. Not counted in ClinVar's aggregate classification.
Comment: The CEP290 c.4604T>C variant is predicted to result in the amino acid substitution p.Leu1535Ser. To our knowledge, this variant has not been reported in the literature or in a large population database, indicating this variant is rare. At this time, the clinical significance of this variant is uncertain due to the absence of conclusive functional and genetic evidence.